The following is an entry in ClinVar:

NM_005751.5(AKAP9):c.5058+12T>G

Genes: AKAP9 (A-kinase anchoring protein 9; plus strand), LOC121175350 (Sharpr-MPRA regulatory region 2641; plus strand). Cytogenetic location: 7q21.2.
Variant type: single nucleotide variant.
Coding change: c.5058+12T>G on transcript NM_005751.5 (MANE Select); 12 bases into the intron after coding-DNA position 5058, T replaced by G.
Molecular consequence: intron variant.
Genome position (GRCh38, 1-based): chr7:92,042,198, T>G. VCF-style: chr7-92042198-T-G. GRCh37 (hg19) VCF-style: chr7-91671512-T-G.
Other names: c.5058+12T>G (NM_147185.3).
Identifiers: ClinVar variation 190487 (VCV000190487.11), dbSNP rs373705132, ClinGen allele CA300614.
Genomic context (GRCh38, chr7:92,042,198, plus strand): 5'-AAGAGAGAAGCTGTGTTGTGAGCTGCGCAACAGCAGTACGCAAACACAGGTAGTATGGAC[T>G]TTGCCCCACCTAGGAGCAATGGATCACCAATTCAGTAGGATTTGTTTGTCTTTGTTGTTG-3'

ClinVar aggregate classification (germline): Benign/Likely benign. Review status: criteria provided, multiple submitters, no conflicts (2 of 4 stars). 5 submissions from 5 submitters: Benign (3); Likely benign (2). Last evaluated 2025-07-27.

Conditions:
Long QT syndrome (LQTS). Identifiers: MedGen C0023976, MeSH D008133, MONDO:0002442. Disease mechanism: loss of function. Inheritance: Various modes of inheritance.
Long QT syndrome 11 (LQT11). Identifiers: Orphanet 101016, Orphanet 768, MedGen C2678483, MONDO:0012738, OMIM 611820.

Allele frequency attached by ClinVar (database versions not stated): TOPMed 0.00006; ESP Exome Variant Server 0.00008; gnomAD 0.00011 and 0.00012; gnomAD exomes 0.00012 and 0.00014; ExAC 0.00018.
gnomAD v4.1: 223 of 1,613,534 alleles (0.014%); highest among the groups gnomAD compares: Non-Finnish European, 0.018%; no homozygotes.

Submissions (5):

Labcorp Genetics (formerly Invitae), Labcorp
Classification: Likely benign for Long QT syndrome. Last evaluated: 2025-07-27. Review status: criteria provided, single submitter. Criteria: Invitae Variant Classification Sherloc (09022015). Collection method: clinical testing. Allele origin: germline.

Blueprint Genetics
Classification: Likely benign. Last evaluated: 2024-04-04. Review status: criteria provided, single submitter. Criteria: ACMG Guidelines, 2015. Collection method: clinical testing. Allele origin: germline.

Women's Health and Genetics/Laboratory Corporation of America, LabCorp
Classification: Benign. Last evaluated: 2023-08-08. Review status: criteria provided, single submitter. Criteria: LabCorp Variant Classification Summary - May 2015. Collection method: clinical testing. Allele origin: germline.

Genome-Nilou Lab
Classification: Benign for Long QT syndrome 11. Last evaluated: 2021-12-05. Review status: criteria provided, single submitter. Criteria: ACMG Guidelines, 2015. Collection method: clinical testing. Allele origin: germline. Affected: no.

GeneDx
Classification: Benign. Last evaluated: 2014-07-22. Review status: criteria provided, single submitter. Criteria: GeneDx Variant Classification (06012015). Collection method: clinical testing. Allele origin: germline. Affected: yes.
Comment: This variant is considered likely benign or benign based on one or more of the following criteria: it is a conservative change, it occurs at a poorly conserved position in the protein, it is predicted to be benign by multiple in silico algorithms, and/or has population frequency not consistent with disease.